The following is an entry in ClinVar:

NM_004035.7(ACOX1):c.269+4774_269+4787del

Gene: ACOX1 (acyl-CoA oxidase 1; minus strand). Cytogenetic location: 17q25.1.
Variant type: Deletion.
Coding change: c.269+4774_269+4787del on transcript NM_004035.7 (MANE Select); bases 4774 to 4787 of the intron after coding-DNA position 269, 14 bases deleted (CCTGTGGGCCTCAA).
Molecular consequence: intron variant. On other transcripts: frameshift variant (1).
Genome position (GRCh38, 1-based): chr17:75,973,747-75,973,760, TTGAGGCCCACAGG deleted on the plus strand (CCTGTGGGCCTCAA on the coding strand, the reverse complement: ACOX1 is on the minus strand); deleting any 14 consecutive bases within chr17:75,973,747-75,973,762 gives the same sequence; the c. name uses the placement nearest the transcript's 3' end. VCF-style (leftmost placement, unchanged base first): chr17-75973746-ATTGAGGCCCACAGG-A. GRCh37 (hg19) VCF-style: chr17-73969827-ATTGAGGCCCACAGG-A.
Other names: c.295_308del, p.Pro99fs (NM_007292.6); c.155+4774_155+4787del (NM_001185039.2); short protein forms P99fs.
Identifiers: ClinVar variation 2581345 (VCV002581345.1), dbSNP rs2546093748, ClinGen allele CA2582342322.

ClinVar aggregate classification (germline): Likely benign (1 of 4 stars; one submission).

Submission:

Women's Health and Genetics/Laboratory Corporation of America, LabCorp
Classification: Likely benign. Last evaluated: 2023-08-24. Review status: criteria provided, single submitter. Criteria: LabCorp Variant Classification Summary - May 2015. Collection method: clinical testing. Allele origin: germline.
Comment: Variant summary: ACOX1 c.269+4774_269+4787del14 is located at a position not widely known to affect splicing. Consensus agreement among computation tools predict no significant impact on normal splicing. However, these predictions have yet to be confirmed by functional studies. The variant was absent in 251484 control chromosomes (gnomAD). The available data on variant occurrences in the general population are insufficient to allow any conclusion about variant significance. To our knowledge, no occurrence of c.269+4774_269+4787del14 in individuals affected with Pseudoneonatal Adrenoleukodystrophy and no experimental evidence demonstrating its impact on protein function have been reported. No submitters have cited clinical-significance assessments for this variant to ClinVar after 2014. Based on the evidence outlined above, the variant was classified as likely benign.